The following is an entry in ClinVar:

ClinVar aggregate classification (germline): Uncertain significance. Review status: criteria provided, multiple submitters, no conflicts (2 of 4 stars). 5 submissions from 5 submitters: Uncertain significance (5). Last evaluated 2026-03-27.

Conditions:
Cardiovascular phenotype. Identifiers: MedGen CN230736.
Long QT syndrome (LQTS). Identifiers: MedGen C0023976, MeSH D008133, MONDO:0002442. Disease mechanism: loss of function. Inheritance: Various modes of inheritance.

Allele frequency attached by ClinVar (database versions not stated): gnomAD exomes below 0.00001 and 0.00001; gnomAD 0.00001; TOPMed 0.00001.
gnomAD v4.1: 15 of 1,613,652 alleles (0.00093%); highest among the groups gnomAD compares: Non-Finnish European, 0.0013%; no homozygotes.

Submissions (5):

Women's Health and Genetics/Laboratory Corporation of America, LabCorp
Classification: Uncertain significance. Last evaluated: 2026-03-27. Review status: criteria provided, single submitter. Criteria: LabCorp Variant Classification Summary - May 2015. Collection method: clinical testing. Allele origin: germline.

Labcorp Genetics (formerly Invitae), Labcorp
Classification: Uncertain significance for Long QT syndrome. Last evaluated: 2025-02-10. Review status: criteria provided, single submitter. Criteria: Invitae Variant Classification Sherloc (09022015). Collection method: clinical testing. Allele origin: germline.
Comment: This sequence change replaces alanine, which is neutral and non-polar, with serine, which is neutral and polar, at codon 3510 of the ANK2 protein (p.Ala3510Ser). This variant is present in population databases (no rsID available, gnomAD 0.0009%). This variant has not been reported in the literature in individuals affected with ANK2-related conditions. ClinVar contains an entry for this variant (Variation ID: 1188019). An algorithm developed to predict the effect of missense changes on protein structure and function (PolyPhen-2) suggests that this variant is likely to be disruptive. In summary, the available evidence is currently insufficient to determine the role of this variant in disease. Therefore, it has been classified as a Variant of Uncertain Significance.

Ambry Genetics
Classification: Uncertain significance for Cardiovascular phenotype. Last evaluated: 2023-10-14. Review status: criteria provided, single submitter. Criteria: Ambry Variant Classification Scheme 2023. Collection method: clinical testing. Allele origin: germline.

Blueprint Genetics
Classification: Uncertain significance. Last evaluated: 2023-02-27. Review status: criteria provided, single submitter. Criteria: ACMG Guidelines, 2015. Collection method: clinical testing. Allele origin: germline.

GeneDx
Classification: Uncertain significance. Last evaluated: 2021-04-01. Review status: criteria provided, single submitter. Criteria: GeneDx Variant Classification Process June 2021. Collection method: clinical testing. Allele origin: germline. Affected: yes.
Comment: Not observed at a significant frequency in large population cohorts (Lek et al., 2016); Has not been previously published as pathogenic or benign to our knowledge; In silico analysis supports that this missense variant does not alter protein structure/function; Located in exon 38, which is reported as being expressed in a brain-specific transcript (Otto et al, 1991; Cunha et al, 2008; Wu et al, 2015)

NM_001148.6(ANK2):c.10528G>T (p.Ala3510Ser)

Gene: ANK2 (ankyrin 2; plus strand). Cytogenetic location: 4q26.
Variant type: single nucleotide variant.
Coding change: c.10528G>T on transcript NM_001148.6 (MANE Select); coding-DNA position 10528, G replaced by T.
Protein change: p.Ala3510Ser; replaces alanine 3510 with serine.
Molecular consequence: missense variant. On other transcripts: intron variant (68).
Genome position (GRCh38, 1-based): chr4:113,359,146, G>T. VCF-style: chr4-113359146-G-T. GRCh37 (hg19) VCF-style: chr4-114280302-G-T.
Other names: c.10294G>T, p.Ala3432Ser (NM_001386142.1); c.6928G>T, p.Ala2310Ser (NM_001386166.1); c.10669G>T, p.Ala3557Ser (NM_001386174.1); c.10645G>T, p.Ala3549Ser (NM_001386175.1); c.4412-1677G>T (NM_001386186.2, NM_001386148.2); c.4214-1677G>T (NM_001354269.3); c.4292-1677G>T (NM_001386187.2); c.4253-1677G>T (NM_001386147.1); and 35 more; short protein forms A2310S, A3432S, A3510S, A3549S, A3557S.
Identifiers: ClinVar variation 1188019 (VCV001188019.12), dbSNP rs1303634187, ClinGen allele CA357940625.